The following is an entry in ClinVar:

ClinVar aggregate classification (germline): Uncertain significance (1 of 4 stars; one submission).

Allele frequency attached by ClinVar (database versions not stated): gnomAD exomes below 0.00001 and 0.00002; TOPMed below 0.00001; gnomAD 0.00001; ExAC 0.00003; 1000 Genomes Project 30x 0.00016; 1000 Genomes Project 0.00020.
gnomAD v4.1: 10 of 1,613,976 alleles (0.00062%); highest among the groups gnomAD compares: African/African-American, 0.004%; no homozygotes.

Submission:

Labcorp Genetics (formerly Invitae), Labcorp
Classification: Uncertain significance. Last evaluated: 2024-01-19. Review status: criteria provided, single submitter. Criteria: Invitae Variant Classification Sherloc (09022015). Collection method: clinical testing. Allele origin: germline.
Comment: This sequence change replaces proline, which is neutral and non-polar, with serine, which is neutral and polar, at codon 1331 of the USH2A protein (p.Pro1331Ser). This variant is present in population databases (rs149339941, gnomAD 0.02%). This variant has not been reported in the literature in individuals affected with USH2A-related conditions. ClinVar contains an entry for this variant (Variation ID: 1423547). Advanced modeling of protein sequence and biophysical properties (such as structural, functional, and spatial information, amino acid conservation, physicochemical variation, residue mobility, and thermodynamic stability) has been performed at Invitae for this missense variant, however the output from this modeling did not meet the statistical confidence thresholds required to predict the impact of this variant on USH2A protein function. In summary, the available evidence is currently insufficient to determine the role of this variant in disease. Therefore, it has been classified as a Variant of Uncertain Significance.

NM_206933.4(USH2A):c.3991C>T (p.Pro1331Ser)

Genes: USH2A (usherin; minus strand), USH2A-AS1 (USH2A antisense RNA 1; plus strand). Cytogenetic location: 1q41.
Variant type: single nucleotide variant.
Coding change: c.3991C>T on transcript NM_206933.4 (MANE Select); coding-DNA position 3991, C replaced by T.
Protein change: p.Pro1331Ser; replaces proline 1331 with serine.
Molecular consequence: missense variant.
Genome position (GRCh38, 1-based): chr1:216,198,405, G>A on the plus strand (C>T on the coding strand, the complement: USH2A is on the minus strand). VCF-style: chr1-216198405-G-A. GRCh37 (hg19) VCF-style: chr1-216371747-G-A.
Other names: c.3991C>T, p.Pro1331Ser (NM_007123.6); short protein forms P1331S.
Identifiers: ClinVar variation 1423547 (VCV001423547.4), dbSNP rs149339941, ClinGen allele CA1395858.